The following is an entry in ClinVar:

NM_017780.4(CHD7):c.2095A>G (p.Ser699Gly)

Genes: CHD7 (chromodomain helicase DNA binding protein 7; plus strand), LOC126860403 (CDK7 strongly-dependent group 2 enhancer GRCh37_chr8:61693034-61694233; plus strand). Cytogenetic location: 8q12.2.
Variant type: single nucleotide variant.
Coding change: c.2095A>G on transcript NM_017780.4 (MANE Select); coding-DNA position 2095, A replaced by G.
Protein change: p.Ser699Gly; replaces serine 699 with glycine.
Molecular consequence: missense variant. On other transcripts: intron variant (1).
Genome position (GRCh38, 1-based): chr8:60,781,429, A>G. VCF-style: chr8-60781429-A-G. GRCh37 (hg19) VCF-style: chr8-61693988-A-G.
Other names: c.1716+379A>G (NM_001316690.1); short protein forms S699G.
Identifiers: ClinVar variation 1704136 (VCV001704136.7), dbSNP rs2487541533, ClinGen allele CA371313672.
Genomic context (GRCh38, chr8:60,781,429, plus strand): 5'-GAGCCAAAGGAAAAGAAAGCAAAAACTGCCACGCCAAAACCCAAATCCAGCAAAAAGTCA[A>G]GGTAGGCTGTGGGCAGAAAAAACAACTGCAAAACATTGAGAGTACAGAAATTAGCGCCAA-3'
Protein context (NP_060250.2, residues 689-709): TPKPKSSKKS[Ser699Gly]NKKPDSEASA

ClinVar aggregate classification (germline): Pathogenic/Likely pathogenic. Review status: criteria provided, multiple submitters, no conflicts (2 of 4 stars). 3 submissions from 3 submitters: Pathogenic (2); Likely pathogenic (1). Last evaluated 2026-07-09.

Conditions:
CHD7-related disorder. Also called: CHD7-related condition.
CHD7-related CHARGE syndrome. Identifiers: MedGen CN380413, MONDO:1010178, OMIM 214800.

Submissions (3):

Victorian Clinical Genetics Services, Murdoch Childrens Research Institute
Classification: Pathogenic for CHD7-related CHARGE syndrome. Last evaluated: 2026-07-09. Review status: criteria provided, single submitter. Criteria: ACMG Guidelines, 2015. Collection method: clinical testing. Allele origin: germline. Affected: no.
Comment: This variant is classified as Pathogenic. Evidence in support of pathogenic classification: Splice site variant proven to affect splicing of the transcript with a known effect on protein sequence. RT-PCR on blood from an affected individual with this variant showed partial exon 3 skipping, resulting in the immediate introduction of a PTC (p.(Val573*)), which is predicted to undergo nonsense-mediated decay (PMID: 33418956); This variant is absent from gnomAD v4; This variant has strong previous evidence of pathogenicity in unrelated individuals. This variant has been classified as pathogenic by a clinical laboratory in ClinVar. Additionally, it has been observed de novo in an individual with multisystem disease in the DECIPHER database, and reported de novo in an individual in the literature with features of CHARGE syndrome (PMID: 33418956); Other variants comparable to the one identified in this case have very strong previous evidence for pathogenicity (DECIPHER). Additional information: This gene is associated with autosomal dominant disease; Loss of function is a known mechanism of disease in this gene and is associated with CHARGE syndrome (MIM#214800) and hypogonadotropic hypogonadism 5 with or without anosmia (MIM#612370); Variants in this gene are known to have variable expressivity (PMID: 20301296).

GeneDx
Classification: Pathogenic. Last evaluated: 2023-09-20. Review status: criteria provided, single submitter. Criteria: GeneDx Variant Classification Process June 2021. Collection method: clinical testing. Allele origin: germline. Affected: yes.
Comment: Identified in other patients with CHARGE syndrome and hypogonadotropic hypogonadism in published literature (Jongmans et al., 2006; Amato et al., 2019; Janssen et al., 2012; Balasubramanian et al., 2014) but additional evidence is not available; Published RNA studies suggest that this variant leads to aberrant splicing (Haug et al., 2021); Not observed at significant frequency in large population cohorts (gnomAD); In silico analysis supports that this missense variant does not alter protein structure/function; This variant is associated with the following publications: (PMID: 22539353, 31200363, 22461308, 25472840, 33418956, 16155193)

Blueprint Genetics
Classification: Likely pathogenic for CHD7-related disorders. Last evaluated: 2020-12-20. Review status: criteria provided, single submitter. Criteria: ACMG Guidelines, 2015. Collection method: clinical testing. Allele origin: germline. Affected: yes. Observed: 1 variant allele.

Literature cited by the submitters: PubMed 33418956 (cited by Victorian Clinical Genetics Services, Murdoch Childrens Research Institute); PubMed 20301296 (cited by Victorian Clinical Genetics Services, Murdoch Childrens Research Institute).